The following is an entry in ClinVar:

ClinVar aggregate classification (germline): Likely benign (1 of 4 stars; one submission).

Submission:

Mayo Clinic Laboratories, Mayo Clinic
Classification: Likely benign. Last evaluated: 2025-02-25. Review status: criteria provided, single submitter. Criteria: ACMG Guidelines, 2015. Collection method: clinical testing. Allele origin: germline. Observed: 1 variant allele.
Comment: BP4, BP7

NM_001020658.2(PUM1):c.1950T>C (p.Ser650=)

Gene: PUM1 (pumilio RNA binding family member 1; minus strand). Cytogenetic location: 1p35.2.
Variant type: single nucleotide variant.
Coding change: c.1950T>C on transcript NM_001020658.2 (MANE Select); coding-DNA position 1950, T replaced by C.
Protein change: p.Ser650=; no amino-acid change (serine 650 retained).
Molecular consequence: synonymous variant.
Genome position (GRCh38, 1-based): chr1:30,966,118, A>G on the plus strand (T>C on the coding strand, the complement: PUM1 is on the minus strand). VCF-style: chr1-30966118-A-G. GRCh37 (hg19) VCF-style: chr1-31438965-A-G.
Other names: p.Ser650=; c.1950T>C, p.Ser650= (NM_014676.3).
Identifiers: ClinVar variation 4684815 (VCV004684815.1).
Genomic context (GRCh38, chr1:30,966,118, plus strand): 5'-GTTGGCAGGCTGGGCAGAGCCCTGGGAGAAGAGGGAGCTGCTCTGTGAATTGCTGTTCAG[A>G]GAGTTGTTGCCGTAGAAAGAACTGGATGCCAGGTTGTTATTGGGCTGCTGCTGGGGCTGG-3'
Protein context (NP_001018494.1, residues 640-660): LASSSFYGNN[Ser650=]LNSNSQSSSL